The following is an entry in ClinVar:

ClinVar aggregate classification (germline): Pathogenic (1 of 4 stars; one submission).

Allele frequency attached by ClinVar (database versions not stated): gnomAD exomes below 0.00001 and 0.00001; ExAC 0.00001; TOPMed 0.00001; gnomAD 0.00004.

Submission:

Labcorp Genetics (formerly Invitae), Labcorp
Classification: Pathogenic. Last evaluated: 2023-01-20. Review status: criteria provided, single submitter. Criteria: Invitae Variant Classification Sherloc (09022015). Collection method: clinical testing. Allele origin: germline.
Comment: For these reasons, this variant has been classified as Pathogenic. ClinVar contains an entry for this variant (Variation ID: 1435551). This variant has not been reported in the literature in individuals affected with COL18A1-related conditions. The frequency data for this variant in the population databases is considered unreliable, as metrics indicate poor data quality at this position in the gnomAD database. This sequence change creates a premature translational stop signal (p.Pro1015Leufs*13) in the COL18A1 gene. It is expected to result in an absent or disrupted protein product. Loss-of-function variants in COL18A1 are known to be pathogenic (PMID: 12415512, 25456301).

Literature cited by the submitters: PubMed 12415512; PubMed 25456301.

NM_001379500.1(COL18A1):c.3045del (p.Pro1018fs)

Genes: SLC19A1 (solute carrier family 19 member 1; minus strand), COL18A1 (collagen type XVIII alpha 1 chain; plus strand). Cytogenetic location: 21q22.3.
Variant type: Deletion.
Coding change: c.3045del on transcript NM_001379500.1 (MANE Select); coding-DNA position 3045, one base deleted (T; older notation c.3045delT).
Protein change: p.Pro1018fs; shifts the reading frame from proline 1018.
Molecular consequence: frameshift variant.
Genome position (GRCh38, 1-based): chr21:45,505,389, T deleted. VCF-style (leftmost placement, unchanged base first): chr21-45505388-CT-C. GRCh37 (hg19) VCF-style: chr21-46925302-CT-C.
Other names: c.3576del, p.Pro1195fs (NM_030582.4); c.4281del, p.Pro1430fs (NM_130444.3); short protein forms P1018fs, P1195fs, P1430fs.
Identifiers: ClinVar variation 1435551 (VCV001435551.6), dbSNP rs769432194, ClinGen allele CA10067655.